The following is an entry in ClinVar:

ClinVar aggregate classification (germline): Likely pathogenic (1 of 4 stars; one submission).

Conditions:
Epidermolysis bullosa, junctional 5A, intermediate. Also called: EPIDERMOLYSIS BULLOSA, JUNCTIONAL 5A, GENERALIZED INTERMEDIATE; EPIDERMOLYSIS BULLOSA, JUNCTIONAL 5A, NON-HERLITZ TYPE. Identifiers: MedGen C5676956, MONDO:0030768, OMIM 619816.

Submission:

Diagnostics Services (NGS), CSIR - Centre For Cellular And Molecular Biology
Classification: Likely pathogenic for Epidermolysis bullosa, junctional 5A, intermediate. Last evaluated: 2024-08-02. Review status: criteria provided, single submitter. Criteria: ACMG Guidelines, 2015. Collection method: clinical testing. Allele origin: germline. Affected: yes. Observed: 1 variant allele, 1 homozygote.
Comment: The c.5150dup variant is not present in publicly available population databases like 1000 Genomes, EVS, ExAC, gnomAD, Indian Exome Database or our in-house exome database. This variant has neither been published in literature in individuals affected with ITGB4-related conditions nor reported to clinical databases like ClinVar, Human Gene Mutation Database (HGMD) or OMIM, in any affected individuals. In-silico pathogenicity prediction programs like MutationTaster2, CADD, Varsome, Franklin etc predicted this variant to be likely deleterious. This variant causes frameshift at the 1718th position of the wild-type transcript that creates a premature translational stop-signal at the altered transcript that may either result in translation of a truncated protein or cause nonsense mediated decay of the mRNA.

NM_000213.5(ITGB4):c.5150dup (p.Ala1718fs)

Genes: GALK1 (galactokinase 1; minus strand), ITGB4 (integrin subunit beta 4; plus strand). Cytogenetic location: 17q25.1.
Variant type: Duplication.
Coding change: c.5150dup on transcript NM_000213.5 (MANE Select); coding-DNA position 5150, one base duplicated (A; older notation c.5150dupA).
Protein change: p.Ala1718fs; shifts the reading frame from alanine 1718.
Molecular consequence: frameshift variant. On other transcripts: intron variant (1).
Genome position (GRCh38, 1-based): chr17:75,757,039, A duplicated. VCF-style (leftmost placement, unchanged base first): chr17-75757038-C-CA. GRCh37 (hg19) VCF-style: chr17-73753119-C-CA.
Other names: c.5099dup, p.Ala1701fs (NM_001005619.2); c.4940dup, p.Ala1648fs (NM_001005731.3, NM_001321123.2); c.4790dup, p.Ala1598fs (NM_001438834.1); c.*22+995dup (NM_001381985.1); short protein forms A1648fs, A1701fs, A1718fs, A1598fs.
Identifiers: ClinVar variation 3340498 (VCV003340498.1).
Genomic context (GRCh38, chr17:75,757,038, plus strand): 5'-CCCGAGAGCCGGCTGACCGTGCCGGGCCTCAGCGAGAACGTGCCCTACAAGTTCAAGGTG[C>CA]AGGCCAGGACCACTGAGGGCTTCGGGCCAGAGCGCGAGGGCATCATCACCATAGAGTCCC-3'